The following is an entry in ClinVar:

NM_001297.5(CNGB1):c.1730_1731insC (p.Glu577fs)

Gene: CNGB1 (cyclic nucleotide gated channel subunit beta 1; minus strand). Cytogenetic location: 16q21.
Variant type: Insertion.
Coding change: c.1730_1731insC on transcript NM_001297.5 (MANE Select); coding-DNA positions 1730 to 1731, C inserted.
Protein change: p.Glu577fs; shifts the reading frame from glutamic acid 577.
Molecular consequence: frameshift variant.
Genome position: GRCh38 VCF-style: chr16-57920457-C-CG. GRCh37 (hg19) VCF-style: chr16-57954361-C-CG.
Other names: c.1712_1713insC, p.Glu571fs (NM_001286130.2); short protein forms E571fs, E577fs.
Identifiers: ClinVar variation 1921317 (VCV001921317.6), dbSNP rs2544636557, ClinGen allele CA2580091777.
Genomic context (GRCh38, chr16:57,920,457, plus strand): 5'-GCTCTCCTCATCAGAGGTGACGTCAGGGTCAATGAGTTTCTCCTTCACTTTCTCTGTCCG[C>CG]TCCTTGAAGAGCTTCACCAGCTCCTGGAGCCGGTCGTTGATGATGGCGCTATTTGTGCTG-3'

ClinVar aggregate classification (germline): Pathogenic/Likely pathogenic. Review status: criteria provided, multiple submitters, no conflicts (2 of 4 stars). 2 submissions from 2 submitters: Pathogenic (1); Likely pathogenic (1). Last evaluated 2024-04-29.

Conditions:
Retinitis pigmentosa 45 (RP45). Identifiers: Orphanet 791, MedGen C3151066, MONDO:0013413, OMIM 613767.

Submissions (2):

Fulgent Genetics
Classification: Likely pathogenic for Retinitis pigmentosa 45. Last evaluated: 2024-04-29. Review status: criteria provided, single submitter. Criteria: ACMG Guidelines, 2015. Collection method: clinical testing. Allele origin: germline.

Labcorp Genetics (formerly Invitae), Labcorp
Classification: Pathogenic. Last evaluated: 2022-10-01. Review status: criteria provided, single submitter. Criteria: Invitae Variant Classification Sherloc (09022015). Collection method: clinical testing. Allele origin: germline.
Comment: For these reasons, this variant has been classified as Pathogenic. This variant has not been reported in the literature in individuals affected with CNGB1-related conditions. This variant is not present in population databases (gnomAD no frequency). This sequence change creates a premature translational stop signal (p.Glu577Aspfs*12) in the CNGB1 gene. It is expected to result in an absent or disrupted protein product. Loss-of-function variants in CNGB1 are known to be pathogenic (PMID: 15557452, 24043777).

Literature cited by the submitters: PubMed 15557452 (cited by Labcorp Genetics (formerly Invitae), Labcorp); PubMed 24043777 (cited by Labcorp Genetics (formerly Invitae), Labcorp).